The following is an entry in ClinVar:

ClinVar aggregate classification (germline): Likely pathogenic (1 of 4 stars; one submission).

Conditions:
Leukodystrophy, hypomyelinating, 2. Also called: PELIZAEUS-MERZBACHER-LIKE DISEASE, 1. Identifiers: Orphanet 280270, Orphanet 280282, MedGen C1837355, MONDO:0012125, OMIM 608804.

Submission:

Molecular Diagnostics Lab, Nemours Children's Health, Delaware
Classification: Likely pathogenic for Leukodystrophy, hypomyelinating, 2. Last evaluated: 2021-05-24. Review status: criteria provided, single submitter. Criteria: ACMG Guidelines, 2015. Collection method: clinical testing. Allele origin: unknown. Inheritance: Autosomal recessive inheritance. Affected: yes. Observed: 1 homozygote.
Comment: This variant (c.907_923dup) predicts a framsehift that abolishes the normal stop codon and results in a protein with 209 additional amino acids. It has not been observed in population databases (gnomAD) and has not been reported in the literature.

NM_020435.4(GJC2):c.907_923dup (p.Pro309fs)

Gene: GJC2 (gap junction protein gamma 2; plus strand). Cytogenetic location: 1q42.13.
Variant type: Duplication.
Coding change: c.907_923dup on transcript NM_020435.4 (MANE Select); coding-DNA positions 907 to 923, 17 bases duplicated (GGCCCCCCGGCCTCCGC).
Protein change: p.Pro309fs; shifts the reading frame from proline 309.
Molecular consequence: frameshift variant.
Genome position (GRCh38, 1-based): chr1:228,158,665-228,158,681, GGCCCCCCGGCCTCCGC duplicated; duplicating any 17 consecutive bases within chr1:228,158,661-228,158,681 gives the same sequence; the c. name uses the placement nearest the transcript's 3' end. VCF-style (leftmost placement, unchanged base first): chr1-228158660-G-GCCGCGGCCCCCCGGCCT. GRCh37 (hg19) VCF-style: chr1-228346361-G-GCCGCGGCCCCCCGGCCT.
Other names: short protein forms P309fs.
Identifiers: ClinVar variation 3336787 (VCV003336787.2).